The following is an entry in ClinVar:

ClinVar aggregate classification (germline): Uncertain significance (1 of 4 stars; one submission).

Conditions:
Epileptic encephalopathy. Identifiers: MedGen C0543888, HP:0200134.

Submission:

Labcorp Genetics (formerly Invitae), Labcorp
Classification: Uncertain significance for Epileptic encephalopathy. Last evaluated: 2023-10-07. Review status: criteria provided, single submitter. Criteria: Invitae Variant Classification Sherloc (09022015). Collection method: clinical testing. Allele origin: germline.
Comment: This sequence change replaces arginine, which is basic and polar, with threonine, which is neutral and polar, at codon 207 of the GABBR2 protein (p.Arg207Thr). This variant is not present in population databases (gnomAD no frequency). This variant has not been reported in the literature in individuals affected with GABBR2-related conditions. Advanced modeling of protein sequence and biophysical properties (such as structural, functional, and spatial information, amino acid conservation, physicochemical variation, residue mobility, and thermodynamic stability) performed at Invitae indicates that this missense variant is not expected to disrupt GABBR2 protein function. In summary, the available evidence is currently insufficient to determine the role of this variant in disease. Therefore, it has been classified as a Variant of Uncertain Significance.

NM_005458.8(GABBR2):c.620G>C (p.Arg207Thr)

Gene: GABBR2 (gamma-aminobutyric acid type B receptor subunit 2; minus strand). Cytogenetic location: 9q22.33.
Variant type: single nucleotide variant.
Coding change: c.620G>C on transcript NM_005458.8 (MANE Select); coding-DNA position 620, G replaced by C.
Protein change: p.Arg207Thr; replaces arginine 207 with threonine.
Molecular consequence: missense variant.
Genome position (GRCh38, 1-based): chr9:98,541,883, C>G on the plus strand (G>C on the coding strand, the complement: GABBR2 is on the minus strand). VCF-style: chr9-98541883-C-G. GRCh37 (hg19) VCF-style: chr9-101304165-C-G.
Other names: short protein forms R207T.
Identifiers: ClinVar variation 2766619 (VCV002766619.3), dbSNP rs2490086807, ClinGen allele CA374350855.